The following is an entry in ClinVar:

ClinVar aggregate classification (germline): Uncertain significance (1 of 4 stars; one submission).

Conditions:
Hypermetabolism due to uncoupled mitochondrial oxidative phosphorylation 2 (HUMOP2). Identifiers: MedGen C5774237, MONDO:0859302, OMIM 620085.

Submission:

Dasa
Classification: Uncertain significance for Hypermetabolism due to uncoupled mitochondrial oxidative phosphorylation 2. Last evaluated: 2025-09-24. Review status: criteria provided, single submitter. Criteria: DASA Assertion Criteria. Collection method: clinical testing. Allele origin: germline.
Comment: NM_001686.4(ATP5F1B):c.804_810del (p.Tyr269Lysfs*2) is a frameshift variant in ATP5F1B predicted to alter the reading frame and introduce a premature termination codon. Published studies describe this variant in association with related phenotype (PMID: 36860166). Also, this variant is absent from population databases. The currently available literature and clinical evidence are not sufficient to establish a definitive association between this variant and the reported condition. Therefore, this variant is classified as a variant of uncertain significance.

Literature cited by the submitters: PubMed 36860166.

NM_001686.4(ATP5F1B):c.804_810del (p.Tyr269fs)

Gene: ATP5F1B (ATP synthase F1 subunit beta; minus strand). Cytogenetic location: 12q13.3.
Variant type: Deletion.
Coding change: c.804_810del on transcript NM_001686.4 (MANE Select); coding-DNA positions 804 to 810, 7 bases deleted (ATATGGT; older notation c.804_810delATATGGT).
Protein change: p.Tyr269fs; shifts the reading frame from tyrosine 269.
Molecular consequence: frameshift variant.
Genome position (GRCh38, 1-based): chr12:56,642,814-56,642,820, ACCATAT deleted on the plus strand (ATATGGT on the coding strand, the reverse complement: ATP5F1B is on the minus strand); deleting any 7 consecutive bases within chr12:56,642,814-56,642,824 gives the same sequence; the c. name uses the placement nearest the transcript's 3' end. VCF-style (leftmost placement, unchanged base first): chr12-56642813-GACCATAT-G. GRCh37 (hg19) VCF-style: chr12-57036597-GACCATAT-G.
Other names: short protein forms Y269fs.
Identifiers: ClinVar variation 4884102 (VCV004884102.2).
Genomic context (GRCh38, chr12:56,642,813, plus strand): 5'-CAGCCACAGTCAGCCCAGTCAGAGCTACCCGGGCACGAGCACCAGGTGGTTCATTCATTT[GACCATAT>G]ACCAGCGCTACCTGCAGTAATCATACATAATCGTAAAACCTGACAAAGGAGTAGAGAAGC-3'